The following is an entry in ClinVar:

ClinVar aggregate classification (germline): Uncertain significance (1 of 4 stars; one submission).

Allele frequency attached by ClinVar (database versions not stated): gnomAD exomes below 0.00001; TOPMed below 0.00001; gnomAD 0.00001.

Submission:

GeneDx
Classification: Uncertain significance. Last evaluated: 2018-05-15. Review status: criteria provided, single submitter. Criteria: GeneDx Variant Classification (06012015). Collection method: clinical testing. Allele origin: germline. Affected: yes.
Comment: A variant of uncertain significance has been identified in the PLEKHG5 gene. The H346Q variant has not been published as a pathogenic variant, nor has it been reported as a benign variant to our knowledge. The H346Q variant is not observed in large population cohorts (Lek et al., 2016). The H346Q variant is a semi-conservative amino acid substitution, which may impact secondary protein structure as these residues differ in some properties. However, in-silico analyses, including protein predictors and evolutionary conservation, support that this variant does not alter protein structure/function. Therefore, based on the currently available information, it is unclear whether this variant is a pathogenic variant or a rare benign variant.

NM_020631.6(PLEKHG5):c.1038C>G (p.His346Gln)

Gene: PLEKHG5 (pleckstrin homology and RhoGEF domain containing G5; minus strand). Cytogenetic location: 1p36.31.
Variant type: single nucleotide variant.
Coding change: c.1038C>G on transcript NM_020631.6 (MANE Select); coding-DNA position 1038, C replaced by G.
Protein change: p.His346Gln; replaces histidine 346 with glutamine.
Molecular consequence: missense variant.
Genome position (GRCh38, 1-based): chr1:6,472,569, G>C on the plus strand (C>G on the coding strand, the complement: PLEKHG5 is on the minus strand). VCF-style: chr1-6472569-G-C. GRCh37 (hg19) VCF-style: chr1-6532629-G-C.
Other names: c.1149C>G, p.His383Gln (NM_001042663.3, NM_001265592.2); c.1038C>G, p.His346Gln (NM_001042664.2, NM_001042665.2, NM_001265594.3 and 1 more transcripts); c.1245C>G, p.His415Gln (NM_001265593.2); short protein forms H346Q, H415Q, H383Q.
Identifiers: ClinVar variation 546403 (VCV000546403.2), dbSNP rs1553174547, ClinGen allele CA338132727.